The following is an entry in ClinVar:

NM_000321.3(RB1):c.2779G>A (p.Glu927Lys)

Gene: RB1 (RB transcriptional corepressor 1; plus strand). Cytogenetic location: 13q14.2.
Variant type: single nucleotide variant.
Coding change: c.2779G>A on transcript NM_000321.3 (MANE Select); coding-DNA position 2779, G replaced by A.
Protein change: p.Glu927Lys; replaces glutamic acid 927 with lysine.
Molecular consequence: missense variant.
Genome position (GRCh38, 1-based): chr13:48,480,063, G>A. VCF-style: chr13-48480063-G-A. GRCh37 (hg19) VCF-style: chr13-49054199-G-A.
Other names: short protein forms E927K.
Identifiers: ClinVar variation 1408139 (VCV001408139.8), dbSNP rs1949528826, ClinGen allele CA388158641.

ClinVar aggregate classification (germline): Uncertain significance (1 of 4 stars; one submission).

Conditions:
Retinoblastoma (RB1). Also called: RETINOBLASTOMA, SOMATIC. Identifiers: Orphanet 790, MedGen C0035335, MeSH D012175, MONDO:0008380, OMIM 180200, HP:0009919. Disease mechanism: loss of function. Inheritance: Both sporadic and heritable forms are tested..

Submission:

Labcorp Genetics (formerly Invitae), Labcorp
Classification: Uncertain significance for Retinoblastoma. Last evaluated: 2025-05-19. Review status: criteria provided, single submitter. Criteria: Invitae Variant Classification Sherloc (09022015). Collection method: clinical testing. Allele origin: germline.
Comment: This sequence change replaces glutamic acid, which is acidic and polar, with lysine, which is basic and polar, at codon 927 of the RB1 protein (p.Glu927Lys). This variant is not present in population databases (gnomAD no frequency). This variant has not been reported in the literature in individuals affected with RB1-related conditions. ClinVar contains an entry for this variant (Variation ID: 1408139). Invitae Evidence Modeling of protein sequence and biophysical properties (such as structural, functional, and spatial information, amino acid conservation, physicochemical variation, residue mobility, and thermodynamic stability) has been performed for this missense variant. However, the output from this modeling did not meet the statistical confidence thresholds required to predict the impact of this variant on RB1 protein function. In summary, the available evidence is currently insufficient to determine the role of this variant in disease. Therefore, it has been classified as a Variant of Uncertain Significance.